The following is an entry in ClinVar:

ClinVar aggregate classification (germline): Uncertain significance (1 of 4 stars; one submission).

Conditions:
Autosomal recessive ataxia, Beauce type. Also called: SYNE1-Related Autosomal Recessive Cerebellar Ataxia; Spinocerebellar ataxia, autosomal recessive 8; ATAXIA, RECESSIVE, OF BEAUCE; SYNE1 Deficiency. Identifiers: Orphanet 88644, MedGen C1853116, MONDO:0012549, OMIM 610743.
Emery-Dreifuss muscular dystrophy 4, autosomal dominant (EDMD4). Also called: EMERY-DREIFUSS MUSCULAR DYSTROPHY 4 WITH VARIABLE FEATURES. Identifiers: Orphanet 261, MedGen C2751807, MONDO:0013071, OMIM 612998.

gnomAD v4.1: 14 of 1,613,946 alleles (0.00087%); highest among the groups gnomAD compares: East Asian, 0.031%; no homozygotes.

Submission:

Labcorp Genetics (formerly Invitae), Labcorp
Classification: Uncertain significance for Emery-Dreifuss muscular dystrophy 4, autosomal dominant; Autosomal recessive ataxia, Beauce type. Last evaluated: 2024-02-24. Review status: criteria provided, single submitter. Criteria: Invitae Variant Classification Sherloc (09022015). Collection method: clinical testing. Allele origin: germline.
Comment: This sequence change replaces valine, which is neutral and non-polar, with leucine, which is neutral and non-polar, at codon 4635 of the SYNE1 protein (p.Val4635Leu). This variant is present in population databases (rs374596074, gnomAD 0.03%). This variant has not been reported in the literature in individuals affected with SYNE1-related conditions. ClinVar contains an entry for this variant (Variation ID: 1503620). An algorithm developed to predict the effect of missense changes on protein structure and function (PolyPhen-2) suggests that this variant is likely to be tolerated. In summary, the available evidence is currently insufficient to determine the role of this variant in disease. Therefore, it has been classified as a Variant of Uncertain Significance.

NM_182961.4(SYNE1):c.14116G>C (p.Val4706Leu)

Gene: SYNE1 (spectrin repeat containing nuclear envelope protein 1; minus strand). Cytogenetic location: 6q25.2.
Variant type: single nucleotide variant.
Coding change: c.14116G>C on transcript NM_182961.4 (MANE Select); coding-DNA position 14116, G replaced by C.
Protein change: p.Val4706Leu; replaces valine 4706 with leucine.
Molecular consequence: missense variant.
Genome position (GRCh38, 1-based): chr6:152,330,569, C>G on the plus strand (G>C on the coding strand, the complement: SYNE1 is on the minus strand). VCF-style: chr6-152330569-C-G. GRCh37 (hg19) VCF-style: chr6-152651704-C-G.
Other names: c.13903G>C, p.Val4635Leu (NM_033071.5); short protein forms V4635L, V4706L.
Identifiers: ClinVar variation 1503620 (VCV001503620.6), dbSNP rs374596074, ClinGen allele CA4056066.
Genomic context (GRCh38, chr6:152,330,569, plus strand): 5'-GGCCCGCCACCTCGTCCAGAATGGCTCTGCAACCATCTTGCAGAGAAAGAGCCTCCTCAA[C>G]GGCCAGGTCGGTGGGAACTTTGCTCATCCTCAAGAATTGGGCTTCAAGTTCACTCAGAGA-3'
Protein context (NP_892006.3, residues 4696-4716): RMSKVPTDLA[Val4706Leu]EEALSLQDGC